The following is an entry in ClinVar:

NM_031857.2(PCDHA9):c.1040C>T (p.Ala347Val)

Genes: PCDHA1 (protocadherin alpha 1; plus strand), PCDHA2 (protocadherin alpha 2; plus strand), PCDHA3 (protocadherin alpha 3; plus strand), PCDHA4 (protocadherin alpha 4; plus strand), PCDHA5 (protocadherin alpha 5; plus strand) and 5 more. Cytogenetic location: 5q31.3.
Variant type: single nucleotide variant.
Coding change: c.1040C>T on transcript NM_031857.2 (MANE Select); coding-DNA position 1040, C replaced by T.
Protein change: p.Ala347Val; replaces alanine 347 with valine.
Molecular consequence: missense variant. On other transcripts: intron variant (10).
Genome position (GRCh38, 1-based): chr5:140,849,535, C>T. VCF-style: chr5-140849535-C-T. GRCh37 (hg19) VCF-style: chr5-140229120-C-T.
Other names: c.1040C>T, p.Ala347Val (NM_014005.5); c.2394+60851C>T (NM_018900.4); c.1602+61643C>T (NM_031411.3); c.2388+52183C>T (NM_018905.3); c.2394+45944C>T (NM_018906.3); c.2385+39963C>T (NM_018907.4); c.2352+25408C>T (NM_018908.3); c.2394+19050C>T (NM_018909.4); and 3 more; short protein forms A347V.
Identifiers: ClinVar variation 5026341 (VCV005026341.1).
Genomic context (GRCh38, chr5:140,849,535, plus strand): 5'-TCCCACCCCTGGCTGGTCATTGTACACTTCTTGTGGAAGTTGTGGATGTAAATGACAATG[C>T]TCCACAGTTGACTATCAAAACGCTCTCGGTTCCTGTAAAAGAGGACGCACAACTGGGGAC-3'
Protein context (NP_114063.1, residues 337-357): LVEVVDVNDN[Ala347Val]PQLTIKTLSV

ClinVar aggregate classification (germline): Uncertain significance (1 of 4 stars; one submission).

gnomAD v4.1: 25 of 1,597,860 alleles (0.0016%); highest among the groups gnomAD compares: East Asian, 0.047%; 1 homozygote.

Submission:

Ambry Genetics
Classification: Uncertain significance. Last evaluated: 2026-07-03. Review status: criteria provided, single submitter. Criteria: Ambry Variant Classification Scheme 2023. Collection method: clinical testing. Allele origin: germline.
Comment: The c.1040C>T (p.A347V) alteration is located in exon 1 (coding exon 1) of the PCDHA9 gene. This alteration results from a C to T substitution at nucleotide position 1040, causing the alanine (A) at amino acid position 347 to be replaced by a valine (V). Based on data from gnomAD, the T allele has an overall frequency of 0.002% (4/249532) total alleles studied. The highest observed frequency was 0.022% (4/18388) of East Asian alleles. Based on insufficient or conflicting evidence, the clinical significance of this alteration remains unclear.